The following is an entry in ClinVar:

NM_000277.3(PAH):c.1097C>A (p.Pro366His)

Gene: PAH (phenylalanine hydroxylase; minus strand). Cytogenetic location: 12q23.2.
Variant type: single nucleotide variant.
Coding change: c.1097C>A on transcript NM_000277.3 (MANE Select); coding-DNA position 1097, C replaced by A.
Protein change: p.Pro366His; replaces proline 366 with histidine.
Molecular consequence: missense variant.
Genome position (GRCh38, 1-based): chr12:102,843,748, G>T on the plus strand (C>A on the coding strand, the complement: PAH is on the minus strand). VCF-style: chr12-102843748-G-T. GRCh37 (hg19) VCF-style: chr12-103237526-G-T.
Other names: c.1097C>A (NM_000277.2); c.1097C>A, p.Pro366His (NM_001354304.2); short protein forms P366H.
Identifiers: ClinVar variation 102521 (VCV000102521.16), dbSNP rs62516098, ClinGen allele CA229341.

ClinVar aggregate classification (germline): Likely pathogenic. Review status: reviewed by expert panel (3 of 4 stars). 6 submissions from 6 submitters: Likely pathogenic (1). 5 of the submissions do not count toward it. Last evaluated 2020-08-14.

Conditions:
Phenylketonuria (PKU). Also called: Phenylketonuria (PKU); FOLLING DISEASE; OLIGOPHRENIA PHENYLPYRUVICA; Phenylketonurias. Identifiers: Orphanet 716, MedGen C0031485, MONDO:0009861, OMIM 261600. Disease mechanism: loss of function.

Allele frequency attached by ClinVar (database versions not stated): gnomAD exomes below 0.00001; TOPMed below 0.00001.
gnomAD v4.1: 3 of 1,613,450 alleles (0.00019%); highest among the groups gnomAD compares: Non-Finnish European, 0.00025%; no homozygotes.

Submissions (6):

ClinGen PAH Variant Curation Expert Panel
Classification: Likely pathogenic for Phenylketonuria. Last evaluated: 2020-08-14. Review status: reviewed by expert panel. Criteria: ClinGen PAH ACMG Specifications v1. Collection method: curation. Allele origin: germline. Inheritance: Autosomal recessive inheritance.
Comment: The c.1097C>A (p.Pro366His) variant in PAH has been reported in multiple individuals with PAH deficiency (BH4 deficiency excluded, PMID: 8268925). This variant is absent in population databases. This variant was detected with multiple pathogenic variants: p.R158Q (PMID: 8830172); c.165delT (p.F55fs, PMID: 19292873); c.1066-11G>A (PMID: 22841515); p.P281L (PMID: 21147011). Computational evidence support a deleterious effect. In summary, this variant meets criteria to be classified as likely pathogenic for PAH. PAH-specific ACMG/AMP criteria applied: PP4_Moderate, PM2, PM3_strong, PP3.

Labcorp Genetics (formerly Invitae), Labcorp
Classification: Pathogenic for Phenylketonuria. Last evaluated: 2025-12-01. Review status: criteria provided, single submitter. Criteria: Invitae Variant Classification Sherloc (09022015). Collection method: clinical testing. Allele origin: germline. Not counted in ClinVar's aggregate classification.
Comment: This sequence change replaces proline, which is neutral and non-polar, with histidine, which is basic and polar, at codon 366 of the PAH protein (p.Pro366His). This variant is not present in population databases (gnomAD no frequency). This missense change has been observed in individual(s) with phenylketonuria and hyperphenylalaninemia (PMID: 17096675, 19292873, 19609714, 22841515, 26210745). ClinVar contains an entry for this variant (Variation ID: 102521). Invitae Evidence Modeling of protein sequence and biophysical properties (such as structural, functional, and spatial information, amino acid conservation, physicochemical variation, residue mobility, and thermodynamic stability) indicates that this missense variant is not expected to disrupt PAH protein function with a negative predictive value of 80%. For these reasons, this variant has been classified as Pathogenic.

Natera, Inc.
Classification: Pathogenic for Phenylketonuria. Last evaluated: 2025-01-08. Review status: criteria provided, single submitter. Criteria: Natera Variant Classification Schema (03/2026). Collection method: clinical testing. Allele origin: germline. Not counted in ClinVar's aggregate classification.
Comment: The c.1097C>A variant in PAH is a missense variant predicted to cause substitution of proline to histidine at amino acid 366. This variant is rare in the general population with a frequency below the threshold expected for the associated phenotype(s). This variant has been observed in one or more individuals affected with the associated recessive disease, as either homozygous or compound heterozygous with a second variant (PMID: 26210745, 22841515, 19609714, 19292873, 8830172, 17096675, 25757997). Computational prediction algorithms indicate this variant is likely to affect gene or protein function. Given the available evidence, this variant is classified as Pathogenic.

Women's Health and Genetics/Laboratory Corporation of America, LabCorp
Classification: Pathogenic for Phenylketonuria. Last evaluated: 2018-05-21. Review status: criteria provided, single submitter. Criteria: LabCorp Variant Classification Summary - May 2015. Collection method: clinical testing. Allele origin: germline. Not counted in ClinVar's aggregate classification.
Comment: Variant summary: PAH c.1097C>A (p.Pro366His) results in a non-conservative amino acid change located in the catalytic domain of the encoded protein sequence. Five of five in-silico tools predict a damaging effect of the variant on protein function. The variant was absent in 121284 control chromosomes. c.1097C>A has been reported in the literature in multiple individuals affected with Hyperphenylalaninemia and mild PKU responsive to BH4. These data indicate that the variant is very likely to be associated with disease. To our knowledge, no experimental evidence demonstrating an impact on protein function has been reported. No clinical diagnostic laboratories have submitted clinical-significance assessments for this variant to ClinVar after 2014. Based on the evidence outlined above, the variant was classified as pathogenic.

Counsyl
Classification: Likely pathogenic for Phenylketonuria. Last evaluated: 2018-01-22. Review status: no assertion criteria provided. Collection method: clinical testing. Allele origin: unknown. Not counted in ClinVar's aggregate classification.

DeBelle Laboratory for Biochemical Genetics, MUHC/MCH RESEARCH INSTITUTE
No classification provided. Review status: no classification provided. Collection method: not provided. Allele origin: not provided. Not counted in ClinVar's aggregate classification.

Literature cited by the submitters: PubMed 22841515 (cited by 4 submitters); PubMed 8830172 (cited by ClinGen PAH Variant Curation Expert Panel and Natera, Inc.); PubMed 21147011 (cited by ClinGen PAH Variant Curation Expert Panel and Counsyl); PubMed 8268925 (cited by ClinGen PAH Variant Curation Expert Panel and Counsyl); PubMed 17096675 (cited by 3 submitters); PubMed 19292873 (cited by 3 submitters); PubMed 19609714 (cited by 3 submitters); PubMed 26210745 (cited by 3 submitters); PubMed 25757997 (cited by Natera, Inc. and Counsyl); PubMed 16198137 (cited by Counsyl); PubMed 14654665 (cited by Counsyl); PubMed 16167124 (cited by Counsyl); PubMed 17924342 (cited by Counsyl); PubMed 10541324 (cited by Counsyl); PubMed 9634518 (cited by Counsyl); PubMed 10693064 (cited by Counsyl); PubMed 23842451 (cited by Counsyl).